The following is an entry in ClinVar:

ClinVar aggregate classification (germline): Uncertain significance (1 of 4 stars; one submission).

Conditions:
Hereditary cancer-predisposing syndrome. Also called: Neoplastic Syndromes, Hereditary; Tumor predisposition; Hereditary Cancer Syndrome; Hereditary neoplastic syndrome. Identifiers: Orphanet 140162, MedGen C0027672, MeSH D009386, MONDO:0015356.

Submission:

Ambry Genetics
Classification: Uncertain significance for Hereditary cancer-predisposing syndrome. Last evaluated: 2022-09-05. Review status: criteria provided, single submitter. Criteria: Ambry Variant Classification Scheme 2023. Collection method: clinical testing. Allele origin: germline.
Comment: The p.Y137F variant (also known as c.410A>T), located in coding exon 1 of the HOXB13 gene, results from an A to T substitution at nucleotide position 410. The tyrosine at codon 137 is replaced by phenylalanine, an amino acid with highly similar properties. This amino acid position is conserved. In addition, the in silico prediction for this alteration is inconclusive. Since supporting evidence is limited at this time, the clinical significance of this alteration remains unclear.

NM_006361.6(HOXB13):c.410A>T (p.Tyr137Phe)

Gene: HOXB13 (homeobox B13; minus strand). Cytogenetic location: 17q21.32.
Variant type: single nucleotide variant.
Coding change: c.410A>T on transcript NM_006361.6 (MANE Select); coding-DNA position 410, A replaced by T.
Protein change: p.Tyr137Phe; replaces tyrosine 137 with phenylalanine.
Molecular consequence: missense variant.
Genome position (GRCh38, 1-based): chr17:48,728,184, T>A on the plus strand (A>T on the coding strand, the complement: HOXB13 is on the minus strand). VCF-style: chr17-48728184-T-A. GRCh37 (hg19) VCF-style: chr17-46805546-T-A.
Other names: short protein forms Y137F.
Identifiers: ClinVar variation 1737903 (VCV001737903.2), dbSNP rs770891609, ClinGen allele CA400107515.